The following is an entry in ClinVar:

NM_006218.4(PIK3CA):c.2641C>A (p.Leu881Ile)

Gene: PIK3CA (phosphatidylinositol-4,5-bisphosphate 3-kinase catalytic subunit alpha; plus strand). Cytogenetic location: 3q26.32.
Variant type: single nucleotide variant.
Coding change: c.2641C>A on transcript NM_006218.4 (MANE Select); coding-DNA position 2641, C replaced by A.
Protein change: p.Leu881Ile; replaces leucine 881 with isoleucine.
Molecular consequence: missense variant.
Genome position (GRCh38, 1-based): chr3:179,229,417, C>A. VCF-style: chr3-179229417-C-A. GRCh37 (hg19) VCF-style: chr3-178947205-C-A.
Other names: short protein forms L881I.
Identifiers: ClinVar variation 3418537 (VCV003418537.1).

ClinVar aggregate classification (germline): Uncertain significance (1 of 4 stars; one submission).

Conditions:
Inborn genetic diseases. Identifiers: MedGen C0950123, MeSH D030342.

Submission:

Ambry Genetics
Classification: Uncertain significance for Inborn genetic diseases. Last evaluated: 2024-09-30. Review status: criteria provided, single submitter. Criteria: Ambry Variant Classification Scheme 2023. Collection method: clinical testing. Allele origin: germline.
Comment: The p.L881I variant (also known as c.2641C>A), located in coding exon 17 of the PIK3CA gene, results from a C to A substitution at nucleotide position 2641. The leucine at codon 881 is replaced by isoleucine, an amino acid with highly similar properties. This amino acid position is conserved. In addition, the in silico prediction for this alteration is inconclusive. Based on the available evidence, the clinical significance of this variant remains unclear.